The following is an entry in ClinVar:

ClinVar aggregate classification (germline): Conflicting classifications of pathogenicity. Review status: criteria provided, conflicting classifications (1 of 4 stars). 3 submissions from 3 submitters: Uncertain significance (2); Likely benign (1). Last evaluated 2024-06-06.

Conditions:
Hereditary cancer-predisposing syndrome. Also called: Hereditary neoplastic syndrome; Tumor predisposition; Neoplastic Syndromes, Hereditary; Hereditary Cancer Syndrome. Identifiers: Orphanet 140162, MedGen C0027672, MeSH D009386, MONDO:0015356.
Hereditary breast ovarian cancer syndrome. Also called: Hereditary breast and ovarian cancer; Breast and ovarian cancer; BRCA1- and BRCA2-Associated Hereditary Breast and Ovarian Cancer; Hereditary breast and/or ovarian cancer syndrome; Hereditary breast and ovarian cancer syndrome; Hereditary breast and ovarian cancer syndrome (HBOC). Identifiers: Orphanet 145, MedGen C0677776, MeSH D061325, MONDO:0003582. Disease mechanism: loss of function.

Submissions (3):

Ambry Genetics
Classification: Uncertain significance for Hereditary cancer-predisposing syndrome. Last evaluated: 2024-06-06. Review status: criteria provided, single submitter. Criteria: Ambry Variant Classification Scheme 2023. Collection method: clinical testing. Allele origin: germline.
Comment: The p.E1167A variant (also known as c.3500A>C), located in coding exon 9 of the BRCA1 gene, results from an A to C substitution at nucleotide position 3500. The glutamic acid at codon 1167 is replaced by alanine, an amino acid with dissimilar properties. This amino acid position is well conserved in available vertebrate species. In addition, the in silico prediction for this alteration is inconclusive. Based on the available evidence, the clinical significance of this variant remains unclear.

University of Washington Department of Laboratory Medicine, University of Washington
Classification: Likely benign for Hereditary cancer-predisposing syndrome. Last evaluated: 2023-03-23. Review status: criteria provided, single submitter. Criteria: Dines et al. (Genet Med. 2020). Collection method: curation. Allele origin: germline.
Comment: Missense variant in a coldspot region where missense variants are very unlikely to be pathogenic (PMID:31911673).

BRCA1 coldspot (exon 11 using historical exon numbering). Reclassification based on statistical prior probability

Labcorp Genetics (formerly Invitae), Labcorp
Classification: Uncertain significance for Hereditary breast ovarian cancer syndrome. Last evaluated: 2021-01-11. Review status: criteria provided, single submitter. Criteria: Invitae Variant Classification Sherloc (09022015). Collection method: clinical testing. Allele origin: germline.
Comment: This variant is not present in population databases (ExAC no frequency). This sequence change replaces glutamic acid with alanine at codon 1167 of the BRCA1 protein (p.Glu1167Ala). The glutamic acid residue is moderately conserved and there is a moderate physicochemical difference between glutamic acid and alanine. This variant has not been reported in the literature in individuals with BRCA1-related conditions. In summary, the available evidence is currently insufficient to determine the role of this variant in disease. Therefore, it has been classified as a Variant of Uncertain Significance. Advanced modeling of protein sequence and biophysical properties (such as structural, functional, and spatial information, amino acid conservation, physicochemical variation, residue mobility, and thermodynamic stability) performed at Invitae indicates that this missense variant is not expected to disrupt BRCA1 protein function.

NM_007294.4(BRCA1):c.3500A>C (p.Glu1167Ala)

Genes: BRCA1 (BRCA1 DNA repair associated; minus strand), LOC126862571 (BRD4-independent group 4 enhancer GRCh37_chr17:41243136-41244335; plus strand). Cytogenetic location: 17q21.31.
Variant type: single nucleotide variant.
Coding change: c.3500A>C on transcript NM_007294.4 (MANE Select); coding-DNA position 3500, A replaced by C.
Protein change: p.Glu1167Ala; replaces glutamic acid 1167 with alanine.
Molecular consequence: missense variant. On other transcripts: intron variant (135).
Genome position (GRCh38, 1-based): chr17:43,092,031, T>G on the plus strand (A>C on the coding strand, the complement: BRCA1 is on the minus strand). VCF-style: chr17-43092031-T-G. GRCh37 (hg19) VCF-style: chr17-41244048-T-G.
Other names: c.3359A>C, p.Glu1120Ala (NM_001407734.1, NM_001407735.1, NM_001407736.1 and 29 more transcripts); c.3356A>C, p.Glu1119Ala (NM_001407740.1, NM_001407741.1, NM_001407742.1 and 20 more transcripts); c.3287A>C, p.Glu1096Ala (NM_001407853.1, NM_001407894.1, NM_001407895.1 and 9 more transcripts); c.3500A>C, p.Glu1167Ala (NM_001407854.1, NM_001407858.1, NM_001407859.1 and 30 more transcripts); c.3497A>C, p.Glu1166Ala (NM_001407860.1, NM_001407861.1, NM_001407587.1 and 22 more transcripts); c.3299A>C, p.Glu1100Ala (NM_001407862.1); c.3377A>C, p.Glu1126Ala (NM_001407863.1, NM_001407648.1, NM_001407664.1 and 19 more transcripts); c.3491A>C, p.Glu1164Ala (NM_001407646.1, NM_001407647.1); and 41 more; short protein forms E1167A, E1120A, E1099A, E1140A, E871A, E1055A, E1056A, E1078A.
Identifiers: ClinVar variation 1501760 (VCV001501760.12), dbSNP rs2154308012, ClinGen allele CA10594975.